The following is an entry in ClinVar:

ClinVar aggregate classification (germline): Uncertain significance. Review status: criteria provided, multiple submitters, no conflicts (2 of 4 stars). 3 submissions from 3 submitters: Uncertain significance (2). 1 of the submissions does not count toward it. Last evaluated 2025-02-24.

Conditions:
Hereditary cancer-predisposing syndrome. Also called: Neoplastic Syndromes, Hereditary; Hereditary Cancer Syndrome; Tumor predisposition; Hereditary neoplastic syndrome. Identifiers: Orphanet 140162, MedGen C0027672, MeSH D009386, MONDO:0015356.
Ataxia-telangiectasia syndrome (AT). Also called: LOUIS-BAR SYNDROME; Cerebello-oculocutaneous telangiectasia; Immunodeficiency with ataxia telangiectasia; Ataxia-telangiectasia, complementation group D; AT, COMPLEMENTATION GROUP C; Ataxia-telangiectasia, complementation group E. Identifiers: Orphanet 100, MedGen C0004135, MONDO:0008840, OMIM 208900.

Allele frequency attached by ClinVar (database versions not stated): gnomAD exomes below 0.00001.
gnomAD v4.1: 1 of 1,614,018 alleles (0.000062%); highest among the groups gnomAD compares: South Asian, 0.0011%; no homozygotes.

Submissions (3):

Labcorp Genetics (formerly Invitae), Labcorp
Classification: Uncertain significance for Ataxia-telangiectasia syndrome. Last evaluated: 2025-02-24. Review status: criteria provided, single submitter. Criteria: Invitae Variant Classification Sherloc (09022015). Collection method: clinical testing. Allele origin: germline.
Comment: This sequence change falls in intron 55 of the ATM gene. It does not directly change the encoded amino acid sequence of the ATM protein. It affects a nucleotide within the consensus splice site. This variant is present in population databases (no rsID available, gnomAD 0.003%). This variant has not been reported in the literature in individuals affected with ATM-related conditions. ClinVar contains an entry for this variant (Variation ID: 482680). Variants that disrupt the consensus splice site are a relatively common cause of aberrant splicing (PMID: 17576681, 9536098). Algorithms developed to predict the effect of sequence changes on RNA splicing suggest that this variant may disrupt the consensus splice site. In summary, the available evidence is currently insufficient to determine the role of this variant in disease. Therefore, it has been classified as a Variant of Uncertain Significance.

Ambry Genetics
Classification: Uncertain significance for Hereditary cancer-predisposing syndrome. Last evaluated: 2024-12-10. Review status: criteria provided, single submitter. Criteria: Ambry Variant Classification Scheme 2023. Collection method: clinical testing. Allele origin: germline.
Comment: The c.8151+4A>T intronic variant results from an A to T substitution 4 nucleotides after coding exon 54 in the ATM gene. This nucleotide position is not well conserved in available vertebrate species. In silico splice site analysis for this alteration is inconclusive and direct evidence is insufficient at this time (Ambry internal data). Since supporting evidence is limited at this time, the clinical significance of this alteration remains unclear.

Natera, Inc.
Classification: Uncertain significance for Ataxia-telangiectasia. Last evaluated: 2020-09-16. Review status: no assertion criteria provided. Collection method: clinical testing. Allele origin: germline. Not counted in ClinVar's aggregate classification.

Literature cited by the submitters: PubMed 17576681 (cited by Labcorp Genetics (formerly Invitae), Labcorp); PubMed 9536098 (cited by Labcorp Genetics (formerly Invitae), Labcorp).

NM_000051.4(ATM):c.8151+4A>T

Genes: C11orf65 (chromosome 11 open reading frame 65; minus strand), ATM (ATM serine/threonine kinase; plus strand). Cytogenetic location: 11q22.3.
Variant type: single nucleotide variant.
Coding change: c.8151+4A>T on transcript NM_000051.4 (MANE Select); 4 bases into the intron after coding-DNA position 8151, A replaced by T.
Molecular consequence: intron variant.
Genome position (GRCh38, 1-based): chr11:108,335,113, A>T. VCF-style: chr11-108335113-A-T. GRCh37 (hg19) VCF-style: chr11-108205840-A-T.
Other names: c.8151+4A>T (NM_001351834.2); c.641-26042T>A (NM_001330368.2); c.*38+107T>A (NM_001351110.2).
Identifiers: ClinVar variation 482680 (VCV000482680.15), dbSNP rs1294982909, ClinGen allele CA602132917.